The following is an entry in ClinVar:

NM_199420.4(POLQ):c.3628C>G (p.Gln1210Glu)

Gene: POLQ (DNA polymerase theta; minus strand). Cytogenetic location: 3q13.33.
Variant type: single nucleotide variant.
Coding change: c.3628C>G on transcript NM_199420.4 (MANE Select); coding-DNA position 3628, C replaced by G.
Protein change: p.Gln1210Glu; replaces glutamine 1210 with glutamic acid.
Molecular consequence: missense variant.
Genome position (GRCh38, 1-based): chr3:121,489,303, G>C on the plus strand (C>G on the coding strand, the complement: POLQ is on the minus strand). VCF-style: chr3-121489303-G-C. GRCh37 (hg19) VCF-style: chr3-121208150-G-C.
Other names: short protein forms Q1210E.
Identifiers: ClinVar variation 3229951 (VCV003229951.1), dbSNP rs775530226, ClinGen allele CA2563027.

ClinVar aggregate classification (germline): Uncertain significance (1 of 4 stars; one submission).

Allele frequency attached by ClinVar (database versions not stated): gnomAD exomes below 0.00001; TOPMed below 0.00001; ExAC 0.00001; gnomAD 0.00001.
gnomAD v4.1: 2 of 1,613,546 alleles (0.00012%); highest among the groups gnomAD compares: East Asian, 0.0045%; no homozygotes.

Submission:

Ambry Genetics
Classification: Uncertain significance. Last evaluated: 2023-10-19. Review status: criteria provided, single submitter. Criteria: Ambry Variant Classification Scheme 2023. Collection method: clinical testing. Allele origin: germline.
Comment: The p.Q1210E variant (also known as c.3628C>G), located in coding exon 16 of the POLQ gene, results from a C to G substitution at nucleotide position 3628. The glutamine at codon 1210 is replaced by glutamic acid, an amino acid with highly similar properties. This amino acid position is conserved. In addition, this alteration is predicted to be tolerated by in silico analysis. Since supporting evidence is limited at this time, the clinical significance of this alteration remains unclear.